The following is an entry in ClinVar:

NM_005419.4(STAT2):c.2473G>T (p.Gly825Cys)

Gene: STAT2 (signal transducer and activator of transcription 2; minus strand). Cytogenetic location: 12q13.3.
Variant type: single nucleotide variant.
Coding change: c.2473G>T on transcript NM_005419.4 (MANE Select); coding-DNA position 2473, G replaced by T.
Protein change: p.Gly825Cys; replaces glycine 825 with cysteine.
Molecular consequence: missense variant.
Genome position (GRCh38, 1-based): chr12:56,343,472, C>A on the plus strand (G>T on the coding strand, the complement: STAT2 is on the minus strand). VCF-style: chr12-56343472-C-A. GRCh37 (hg19) VCF-style: chr12-56737256-C-A.
Other names: c.2461G>T, p.Gly821Cys (NM_198332.2); short protein forms G825C, G821C.
Identifiers: ClinVar variation 403491 (VCV000403491.8), dbSNP rs61754170, ClinGen allele CA6630243.

ClinVar aggregate classification (germline): Benign/Likely benign. Review status: criteria provided, multiple submitters, no conflicts (2 of 4 stars). 5 submissions from 5 submitters: Benign (3); Likely benign (2). Last evaluated 2026-01-22.

Allele frequency attached by ClinVar (database versions not stated): 1000 Genomes Project 30x 0.00531; 1000 Genomes Project 0.00539; TOPMed 0.01093; gnomAD 0.01492 and 0.01516; gnomAD exomes 0.01624; ExAC 0.01746.
gnomAD v4.1: 29,650 of 1,614,114 alleles (1.8%); highest among the groups gnomAD compares: Non-Finnish European, 2%; 366 homozygotes.

Submissions (5):

Women's Health and Genetics/Laboratory Corporation of America, LabCorp
Classification: Likely benign. Last evaluated: 2026-01-22. Review status: criteria provided, single submitter. Criteria: LabCorp Variant Classification Summary - May 2015. Collection method: clinical testing. Allele origin: germline.

Mayo Clinic Laboratories, Mayo Clinic
Classification: Benign. Last evaluated: 2024-12-23. Review status: criteria provided, single submitter. Criteria: ACMG Guidelines, 2015. Collection method: clinical testing. Allele origin: germline. Observed: 9 variant alleles.
Comment: BS1, BS2, BP4_strong

Blueprint Genetics
Classification: Likely benign. Last evaluated: 2024-11-25. Review status: criteria provided, single submitter. Criteria: ACMG Guidelines, 2015. Collection method: clinical testing. Allele origin: germline.

Laboratory for Molecular Medicine, Mass General Brigham Personalized Medicine
Classification: Benign. Last evaluated: 2016-03-29. Review status: criteria provided, single submitter. Criteria: LMM Criteria. Collection method: clinical testing. Allele origin: germline.
Comment: Variant identified in a genome or exome case(s) and assessed due to predicted null impact of the variant or pathogenic assertions in the literature or databases. Disclaimer: This variant has not undergone full assessment. The following are preliminary notes: In cis with c.2472T>C variant (per exac)

Breakthrough Genomics
Classification: Benign. Review status: criteria provided, single submitter. Criteria: ACMG Guidelines, 2015. Collection method: not provided. Allele origin: germline. Inheritance: Autosomal recessive inheritance. Affected: yes.